The following is an entry in ClinVar:

NM_000051.4(ATM):c.8268+2T>C

Genes: ATM (ATM serine/threonine kinase; plus strand), C11orf65 (chromosome 11 open reading frame 65; minus strand). Cytogenetic location: 11q22.3.
Variant type: single nucleotide variant.
Coding change: c.8268+2T>C on transcript NM_000051.4 (MANE Select); the canonical splice donor site of the intron after coding-DNA position 8268, T replaced by C.
Molecular consequence: splice donor variant. On other transcripts: intron variant (2).
Genome position (GRCh38, 1-based): chr11:108,335,963, T>C. VCF-style: chr11-108335963-T-C. GRCh37 (hg19) VCF-style: chr11-108206690-T-C.
Other names: c.8268+2T>C (NM_001351834.2); c.641-26892A>G (NM_001330368.2); c.695-671A>G (NM_001351110.2).
Identifiers: ClinVar variation 931372 (VCV000931372.11), dbSNP rs1565544020, ClinGen allele CA382562706.
Genomic context (GRCh38, chr11:108,335,963, plus strand): 5'-CATTACTGCAGAGAAACACGGAAACTAGGAAGAGGAAATTAACTATCTGTACTTATAAGG[T>C]AACTATTTGTACTTCTGTTAGTTCACCAAAAACATATAAAAGATGCCATTTGGTTGGGTG-3'

ClinVar aggregate classification (germline): Likely pathogenic. Review status: criteria provided, multiple submitters, no conflicts (2 of 4 stars). 3 submissions from 3 submitters: Likely pathogenic (3). Last evaluated 2025-03-28.

Conditions:
Hereditary cancer-predisposing syndrome. Also called: Tumor predisposition; Neoplastic Syndromes, Hereditary; Hereditary neoplastic syndrome; Hereditary Cancer Syndrome. Identifiers: Orphanet 140162, MedGen C0027672, MeSH D009386, MONDO:0015356.
Familial cancer of breast. Also called: Hereditary breast cancer; hereditary breast carcinoma; BREAST CANCER, FAMILIAL. Identifiers: Orphanet 227535, MedGen C0346153, MONDO:0016419, OMIM 114480. Disease mechanism: loss of function.
Ataxia-telangiectasia syndrome (AT). Also called: Ataxia-telangiectasia, complementation group D; AT, COMPLEMENTATION GROUP C; ATAXIA-TELANGIECTASIA, COMPLEMENTATION GROUP A; ATAXIA-TELANGIECTASIA, FRESNO VARIANT; Ataxia-telangiectasia; Ataxia telangiectasia (A-T). Identifiers: Orphanet 100, MedGen C0004135, MONDO:0008840, OMIM 208900.

Submissions (3):

Ambry Genetics
Classification: Likely pathogenic for Hereditary cancer-predisposing syndrome. Last evaluated: 2025-03-28. Review status: criteria provided, single submitter. Criteria: Ambry Variant Classification Scheme 2023. Collection method: clinical testing. Allele origin: germline.
Comment: The c.8268+2T>C intronic variant results from a T to C substitution two nucleotides after coding exon 55 in the ATM gene. In silico splice site analysis predicts that this alteration will weaken the native splice donor site. The resulting transcript is predicted to be in-frame and is not expected to trigger nonsense-mediated mRNA decay. The exact functional effect of the altered amino acid sequence is unknown; however, the impacted region is critical for protein function (Ambry internal data). This nucleotide position is highly conserved in available vertebrate species. RNA studies have demonstrated that this alteration results in abnormal splicing in the set of samples tested (Ambry internal data). This variant is considered to be rare based on population cohorts in the Genome Aggregation Database (gnomAD). Based on the majority of available evidence to date, this variant is likely to be pathogenic.

Labcorp Genetics (formerly Invitae), Labcorp
Classification: Likely pathogenic for Ataxia-telangiectasia syndrome. Last evaluated: 2024-03-16. Review status: criteria provided, single submitter. Criteria: Invitae Variant Classification Sherloc (09022015). Collection method: clinical testing. Allele origin: germline.
Comment: This sequence change affects a donor splice site in intron 56 of the ATM gene. It is expected to disrupt RNA splicing. Variants that disrupt the donor or acceptor splice site typically lead to a loss of protein function (PMID: 16199547), and loss-of-function variants in ATM are known to be pathogenic (PMID: 23807571, 25614872). This variant is not present in population databases (gnomAD no frequency). This variant has not been reported in the literature in individuals affected with ATM-related conditions. ClinVar contains an entry for this variant (Variation ID: 931372). Algorithms developed to predict the effect of sequence changes on RNA splicing suggest that this variant may disrupt the consensus splice site. In summary, the currently available evidence indicates that the variant is pathogenic, but additional data are needed to prove that conclusively. Therefore, this variant has been classified as Likely Pathogenic.

Centre for Mendelian Genomics, University Medical Centre Ljubljana
Classification: Likely pathogenic for Familial cancer of breast. Last evaluated: 2018-11-17. Review status: criteria provided, single submitter. Criteria: ACMG Guidelines, 2015. Collection method: clinical testing. Allele origin: unknown. Affected: yes.
Comment: This variant was classified as: Likely pathogenic. The following ACMG criteria were applied in classifying this variant: PVS1,PM2.

Literature cited by the submitters: PubMed 16199547 (cited by Labcorp Genetics (formerly Invitae), Labcorp); PubMed 23807571 (cited by Labcorp Genetics (formerly Invitae), Labcorp); PubMed 25614872 (cited by Labcorp Genetics (formerly Invitae), Labcorp).